The following is an entry in ClinVar:

ClinVar aggregate classification (germline): Uncertain significance (1 of 4 stars; one submission).

Conditions:
Nephronophthisis. Also called: Juvenile Nephronophthisis. Identifiers: Orphanet 655, MedGen C0687120, MONDO:0019005, HP:0000090.

Submission:

Labcorp Genetics (formerly Invitae), Labcorp
Classification: Uncertain significance for Nephronophthisis. Last evaluated: 2022-06-07. Review status: criteria provided, single submitter. Criteria: Invitae Variant Classification Sherloc (09022015). Collection method: clinical testing. Allele origin: germline.
Comment: This variant is not present in population databases (gnomAD no frequency). This sequence change replaces leucine, which is neutral and non-polar, with phenylalanine, which is neutral and non-polar, at codon 662 of the NPHP1 protein (p.Leu662Phe). This variant has not been reported in the literature in individuals affected with NPHP1-related conditions. Algorithms developed to predict the effect of missense changes on protein structure and function output the following: SIFT: "Tolerated"; PolyPhen-2: "Benign"; Align-GVGD: "Class C0". The phenylalanine amino acid residue is found in multiple mammalian species, which suggests that this missense change does not adversely affect protein function. In summary, the available evidence is currently insufficient to determine the role of this variant in disease. Therefore, it has been classified as a Variant of Uncertain Significance.

NM_001128178.3(NPHP1):c.1816C>T (p.Leu606Phe)

Gene: NPHP1 (nephrocystin 1; minus strand). Cytogenetic location: 2q13.
Variant type: single nucleotide variant.
Coding change: c.1816C>T on transcript NM_001128178.3 (MANE Select); coding-DNA position 1816, C replaced by T.
Protein change: p.Leu606Phe; replaces leucine 606 with phenylalanine.
Molecular consequence: missense variant. On other transcripts: 3 prime UTR variant (1).
Genome position (GRCh38, 1-based): chr2:110,124,009, G>A on the plus strand (C>T on the coding strand, the complement: NPHP1 is on the minus strand). VCF-style: chr2-110124009-G-A. GRCh37 (hg19) VCF-style: chr2-110881586-G-A.
Other names: c.1984C>T, p.Leu662Phe (NM_000272.5); c.1627C>T, p.Leu543Phe (NM_001128179.3); c.1813C>T, p.Leu605Phe (NM_001374256.1); c.*58C>T (NM_001374257.1); c.1981C>T, p.Leu661Phe (NM_207181.4); short protein forms L661F, L543F, L662F, L605F, L606F.
Identifiers: ClinVar variation 1997363 (VCV001997363.4), dbSNP rs2467119188, ClinGen allele CA348086262.